The following is an entry in ClinVar:

ClinVar aggregate classification (germline): Likely pathogenic (1 of 4 stars; one submission).

Conditions:
Hereditary spastic paraplegia 50 (SPG50). Also called: Spastic paraplegia 50, autosomal recessive. Identifiers: Orphanet 280763, MedGen C2752008, MONDO:0013048, OMIM 612936.

Submission:

3billion
Classification: Likely pathogenic for Hereditary spastic paraplegia 50. Last evaluated: 2025-09-04. Review status: criteria provided, single submitter. Criteria: ACMG Guidelines, 2015. Collection method: clinical testing. Allele origin: germline. Affected: yes.
Comment: The variant is observed at an extremely low frequency in the gnomAD v4.1.0 dataset (total allele frequency: <0.001%). Predicted Consequence/Location: Frameshift: predicted to result in a loss or disruption of normal protein function through nonsense-mediated decay (NMD) or protein truncation. Multiple pathogenic variants are reported downstream of the variant. Therefore, this variant is classified as Likely pathogenic according to the recommendation of ACMG/AMP guideline.

NM_004722.4(AP4M1):c.372del (p.Thr125fs)

Gene: AP4M1 (adaptor related protein complex 4 subunit mu 1; plus strand). Cytogenetic location: 7q22.1.
Variant type: Deletion.
Coding change: c.372del on transcript NM_004722.4 (MANE Select); coding-DNA position 372, one base deleted (C; older notation c.372delC).
Protein change: p.Thr125fs; shifts the reading frame from threonine 125.
Molecular consequence: frameshift variant. On other transcripts: 5 prime UTR variant (2), non-coding transcript variant (1).
Genome position (GRCh38, 1-based): chr7:100,103,429, C deleted; the last of 2 consecutive C bases (chr7:100,103,428-100,103,429); deleting either gives the same sequence. VCF-style (leftmost placement, unchanged base first): chr7-100103427-AC-A. GRCh37 (hg19) VCF-style: chr7-99701050-AC-A.
Other names: c.393del, p.Thr132fs (NM_001363671.2, NM_001438824.1, NM_001438827.1); c.372del, p.Thr125fs (NM_001438825.1, NM_001438826.1, NM_001438828.1); c.168del, p.Thr57fs (NM_001438829.1, NM_001438830.1); c.-13del (NM_001438831.1, NM_001438832.1); short protein forms T125fs, T132fs, T57fs.
Identifiers: ClinVar variation 4855577 (VCV004855577.1).
Genomic context (GRCh38, chr7:100,103,427, plus strand): 5'-TCCCTCCACTGATCACTCAGACTGTCCTTCCTTTACCACTAGGACTATGGCTATGTACAG[AC>A]CACATCCACGGAGATGCTGAGGAATTTCATCCAGACGGAAGCTGTGGTCAGCAAGCCCTT-3'